The following is an entry in ClinVar:

NM_000497.4(CYP11B1):c.104T>C (p.Val35Ala)

Gene: CYP11B1 (cytochrome P450 family 11 subfamily B member 1; minus strand). Cytogenetic location: 8q24.3.
Variant type: single nucleotide variant.
Coding change: c.104T>C on transcript NM_000497.4 (MANE Select); coding-DNA position 104, T replaced by C.
Protein change: p.Val35Ala; replaces valine 35 with alanine.
Molecular consequence: missense variant.
Genome position (GRCh38, 1-based): chr8:142,879,710, A>G on the plus strand (T>C on the coding strand, the complement: CYP11B1 is on the minus strand). VCF-style: chr8-142879710-A-G. GRCh37 (hg19) VCF-style: chr8-143961126-A-G.
Other names: c.104T>C, p.Val35Ala (NM_001026213.1); short protein forms V35A.
Identifiers: ClinVar variation 362171 (VCV000362171.15), dbSNP rs201951316, ClinGen allele CA4905712.
Genomic context (GRCh38, chr8:142,879,710, plus strand): 5'-ATCTGCAGCAGCCTCAGCCACCTGTTGCCTGGACGCCGGGGCATGGCTTCAAAGGGCAGC[A>G]CTGTCCTGGGGACCCGGGCGGCTCTCGTGCCCAGTGCCTGTGCCCTTTGCAGGGACAGCC-3'
Protein context (NP_000488.3, residues 25-45): GTRAARVPRT[Val35Ala]LPFEAMPRRP

ClinVar aggregate classification (germline): Conflicting classifications of pathogenicity. Review status: criteria provided, conflicting classifications (1 of 4 stars). 3 submissions from 2 submitters: Uncertain significance (1); Benign (1); Likely benign (1). Last evaluated 2026-02-04.

Conditions:
Glucocorticoid-remediable aldosteronism. Also called: Hyperaldosteronism, familial, type I; ACTH-DEPENDENT HYPERALDOSTERONISM SYNDROME; ALDOSTERONISM, SENSITIVE TO DEXAMETHASONE; FH I; GLUCOCORTICOID-SUPPRESSIBLE HYPERALDOSTERONISM. Identifiers: Orphanet 403, MedGen C3838731, MONDO:0007080, OMIM 103900.
Deficiency of steroid 11-beta-monooxygenase (CYP11B1). Also called: ADRENAL HYPERPLASIA, CONGENITAL, DUE TO STEROID 11-BETA-HYDROXYLASE DEFICIENCY; 11-BETA-HYDROXYLASE DEFICIENCY; ADRENAL HYPERPLASIA IV; P450C11B1 DEFICIENCY; STEROID 11-BETA-HYDROXYLASE DEFICIENCY; Congenital adrenal hyperplasia due to 11-beta-hydroxylase deficiency. Identifiers: Orphanet 90795, MedGen C0268292, MONDO:0008729, OMIM 202010. Disease mechanism: loss of function.

Allele frequency attached by ClinVar (database versions not stated): gnomAD exomes 0.00004 and 0.00030; TOPMed 0.00010; gnomAD 0.00011 and 0.00013; ExAC 0.00026; 1000 Genomes Project 30x 0.00047; 1000 Genomes Project 0.00060.
gnomAD v4.1: 75 of 1,614,240 alleles (0.0046%); highest among the groups gnomAD compares: East Asian, 0.16%; no homozygotes.

Submissions (3):

Labcorp Genetics (formerly Invitae), Labcorp
Classification: Likely benign. Last evaluated: 2026-02-04. Review status: criteria provided, single submitter. Criteria: Invitae Variant Classification Sherloc (09022015). Collection method: clinical testing. Allele origin: germline.

Illumina Laboratory Services, Illumina
Classification: Uncertain significance for Deficiency of steroid 11-beta-monooxygenase. Last evaluated: 2018-01-12. Review status: criteria provided, single submitter. Criteria: ICSL Variant Classification Criteria 13 December 2019. Collection method: clinical testing. Allele origin: germline.

Illumina Laboratory Services, Illumina
Classification: Benign for Glucocorticoid-remediable aldosteronism. Last evaluated: 2018-01-12. Review status: criteria provided, single submitter. Criteria: ICSL Variant Classification Criteria 13 December 2019. Collection method: clinical testing. Allele origin: germline.
Comment: This variant was observed in the ICSL laboratory as part of a predisposition screen in an ostensibly healthy population. It had not been previously curated by ICSL or reported in the Human Gene Mutation Database (HGMD: prior to June 1st, 2018), and was therefore a candidate for classification through an automated scoring system. Utilizing variant allele frequency, disease prevalence and penetrance estimates, and inheritance mode, an automated score was calculated to assess if this variant is too frequent to cause the disease. Based on the score and internal cut-off values, a variant classified as benign is not then subjected to further curation. The score for this variant resulted in a classification of benign for this disease.